The following is an entry in ClinVar:

ClinVar aggregate classification (germline): Benign (0 of 4 stars; one submission).

Conditions:
XIRP2-related disorder. Also called: XIRP2-related condition.

Allele frequency attached by ClinVar (database versions not stated): ExAC 0.12588; ESP Exome Variant Server 0.14564; gnomAD 0.15232; TOPMed 0.15562; 1000 Genomes Project 30x 0.17224; 1000 Genomes Project 0.17272.
gnomAD v4.1: 178,549 of 1,613,246 alleles (11%); highest among the groups gnomAD compares: African/African-American, 27%; 11,423 homozygotes.

Submission:

PreventionGenetics, part of Exact Sciences
Classification: Benign for XIRP2-related condition. Last evaluated: 2019-11-06. Review status: no assertion criteria provided. Collection method: clinical testing. Allele origin: germline.
Comment: This variant is classified as benign based on ACMG/AMP sequence variant interpretation guidelines (Richards et al. 2015 PMID: 25741868, with internal and published modifications).

NM_152381.6(XIRP2):c.6297C>T (p.Asp2099=)

Gene: XIRP2 (xin actin binding repeat containing 2; plus strand). Cytogenetic location: 2q24.3.
Variant type: single nucleotide variant.
Coding change: c.6297C>T on transcript NM_152381.6 (MANE Select); coding-DNA position 6297, C replaced by T.
Protein change: p.Asp2099=; no amino-acid change (aspartic acid 2099 retained).
Molecular consequence: synonymous variant. On other transcripts: intron variant (3).
Genome position (GRCh38, 1-based): chr2:167,247,689, C>T. VCF-style: chr2-167247689-C-T. GRCh37 (hg19) VCF-style: chr2-168104199-C-T.
Other names: c.5631C>T, p.Asp1877= (NM_001199144.2); c.1275+5779C>T (NM_001199143.2); c.1176+5779C>T (NM_001079810.4); c.510+5779C>T (NM_001199145.2).
Identifiers: ClinVar variation 3056458 (VCV003056458.2), dbSNP rs7581190, ClinGen allele CA1947381.